The following is an entry in ClinVar:

NM_003002.4(SDHD):c.149A>G (p.His50Arg)

Gene: SDHD (succinate dehydrogenase complex subunit D; plus strand). Cytogenetic location: 11q23.1.
Variant type: single nucleotide variant.
Coding change: c.149A>G on transcript NM_003002.4 (MANE Select); coding-DNA position 149, A replaced by G.
Protein change: p.His50Arg; replaces histidine 50 with arginine.
Molecular consequence: missense variant. On other transcripts: non-coding transcript variant (1), intron variant (1).
Genome position (GRCh38, 1-based): chr11:112,087,953, A>G. VCF-style: chr11-112087953-A-G. GRCh37 (hg19) VCF-style: chr11-111958677-A-G.
Other names: SDHD, HIS50ARG (rs11214077); c.149A>G, p.His50Arg (NM_001276503.2, NM_001276506.2); c.53-914A>G (NM_001276504.2); short protein forms H50R.
Identifiers: ClinVar variation 6909 (VCV000006909.93), dbSNP rs11214077, ClinGen allele CA016777.

ClinVar aggregate classification (germline): Benign/Likely benign. Review status: criteria provided, multiple submitters, no conflicts (2 of 4 stars). 28 submissions from 28 submitters: Benign (13); Likely benign (8). 7 of the submissions do not count toward it. Last evaluated 2026-09-01.

Conditions:
Mitochondrial complex 2 deficiency, nuclear type 3. Also called: MITOCHONDRIAL COMPLEX II DEFICIENCY, NUCLEAR TYPE 3. Identifiers: MedGen C5436934, MONDO:0030937, OMIM 619167.
Pheochromocytoma/paraganglioma syndrome 1. Also called: SDHD-Related Hereditary Paraganglioma-Pheochromocytoma Syndrome; PARAGANGLIOMAS, FAMILIAL NONCHROMAFFIN, 1; PGL 1; Paragangliomas familial 1; PARAGANGLIOMATA; Glomus tumors familial 1. Identifiers: Orphanet 29072, MedGen C3494181, MONDO:0008192, OMIM 168000.
Carney-Stratakis syndrome. Also called: PARAGANGLIOMA AND GASTROINTESTINAL STROMAL TUMOR. Identifiers: Orphanet 97286, MedGen C1847319, MONDO:0011740, OMIM 606864.
SDHD-related disorder. Also called: SDHD-related condition.
Paragangliomas with sensorineural hearing loss. Identifiers: MedGen C1868633.
Cowden syndrome 3 (CWS3). Identifiers: Orphanet 201, MedGen CN166604, MONDO:0014045.
Pheochromocytoma. Also called: MAX-Related Hereditary Paraganglioma-Pheochromocytoma Syndrome. Identifiers: Orphanet 29072, MedGen C0031511, MONDO:0008233, OMIM 171300, HP:0002666.
Hereditary cancer-predisposing syndrome. Also called: Hereditary neoplastic syndrome; Hereditary Cancer Syndrome; Neoplastic Syndromes, Hereditary; Tumor predisposition. Identifiers: Orphanet 140162, MedGen C0027672, MeSH D009386, MONDO:0015356.
Hereditary pheochromocytoma and paraganglioma. Also called: Hereditary pheochromocytoma-paraganglioma; Hereditary paragangliomas and pheochromocytomas; Hereditary Paraganglioma-Pheochromocytoma Syndromes. Identifiers: Orphanet 29072, MedGen C4274332, MONDO:0017366.
Carcinoid tumor of intestine. Also called: carcinoid tumors, intestina; Intestinal neuroendocrine tumor G1; Carcinoid tumors, intestinal. Identifiers: MedGen C0349535, MONDO:0021533, OMIM 114900.

Allele frequency attached by ClinVar (database versions not stated): 1000 Genomes Project 30x 0.00734; 1000 Genomes Project 0.00659; gnomAD exomes 0.00661 and 0.00737; TOPMed 0.00776; ExAC 0.00652; gnomAD 0.00657 and 0.00679.
gnomAD v4.1: 11,829 of 1,609,602 alleles (0.73%); highest among the groups gnomAD compares: Admixed American, 1%; 54 homozygotes.

Submissions 1 to 22 of 28:

CeGaT Center for Human Genetics Tuebingen
Classification: Likely benign. Last evaluated: 2026-09-01. Review status: criteria provided, single submitter. Criteria: CeGaT Center For Human Genetics Tuebingen Variant Classification Criteria Version 2. Collection method: clinical testing. Allele origin: germline. Affected: yes. Observed: 166 variant alleles.
Comment: SDHD: PM5, BS1, BS2

Labcorp Genetics (formerly Invitae), Labcorp
Classification: Benign for Carney-Stratakis syndrome; Paragangliomas with sensorineural hearing loss; Pheochromocytoma; Cowden syndrome 3. Last evaluated: 2026-02-04. Review status: criteria provided, single submitter. Criteria: Invitae Variant Classification Sherloc (09022015). Collection method: clinical testing. Allele origin: germline.

Laboratorio de I+D, Fundación Centro Médico de Asturias
Classification: Benign for Hereditary cancer-predisposing syndrome. Last evaluated: 2025-07-14. Review status: criteria provided, single submitter. Criteria: ACMG Guidelines, 2015. Collection method: clinical testing. Allele origin: germline.
Comment: BS1+BS2+BP4_Moderate+BP3

Myriad Genetics, Inc.
Classification: Likely benign for Pheochromocytoma/paraganglioma syndrome 1. Last evaluated: 2025-03-17. Review status: criteria provided, single submitter. Criteria: Myriad Autosomal Dominant, Autosomal Recessive and X-Linked Classification Criteria (2023). Collection method: clinical testing. Allele origin: unknown.
Comment: This variant is considered likely benign. This variant has been observed at a population frequency that is significantly greater than expected given the associated disease prevalence and penetrance.

Center for Genomic Medicine, Rigshospitalet, Copenhagen University Hospital
Classification: Likely benign. Last evaluated: 2025-03-04. Review status: criteria provided, single submitter. Criteria: ACMG Guidelines, 2015. Collection method: clinical testing. Allele origin: germline.

Department of Clinical Genetics, Copenhagen University Hospital, Rigshospitalet
Classification: Benign for Hereditary pheochromocytoma and paraganglioma. Last evaluated: 2025-01-24. Review status: criteria provided, single submitter. Criteria: ACMG Guidelines, 2015. Collection method: clinical testing. Allele origin: germline.
Comment: The following ACMG criteria have been used in classification: BS1; BS2 (Observed in homozygote state)

ARUP Laboratories, Molecular Genetics and Genomics, ARUP Laboratories
Classification: Benign. Last evaluated: 2025-01-15. Review status: criteria provided, single submitter. Criteria: ARUP Molecular Germline Variant Investigation Process 2024. Collection method: clinical testing. Allele origin: germline.

Blueprint Genetics
Classification: Likely benign. Last evaluated: 2024-11-27. Review status: criteria provided, single submitter. Criteria: ACMG Guidelines, 2015. Collection method: clinical testing. Allele origin: germline.

Mayo Clinic Laboratories, Mayo Clinic
Classification: Benign. Last evaluated: 2024-01-23. Review status: criteria provided, single submitter. Criteria: ACMG Guidelines, 2015. Collection method: clinical testing. Allele origin: germline. Observed: 9 variant alleles.
Comment: BS1, BS2

Department of Pathology and Laboratory Medicine, Sinai Health System
Classification: Benign for Pheochromocytoma/paraganglioma syndrome 1; Carney-Stratakis syndrome; Mitochondrial complex 2 deficiency, nuclear type 3. Last evaluated: 2023-05-24. Review status: criteria provided, single submitter. Criteria: ACMG Guidelines, 2015. Collection method: clinical testing. Allele origin: germline. Affected: yes.

Quest Diagnostics Nichols Institute San Juan Capistrano
Classification: Benign. Last evaluated: 2023-01-16. Review status: criteria provided, single submitter. Criteria: Quest Diagnostics criteria. Collection method: clinical testing. Allele origin: unknown.

Color Diagnostics, LLC DBA Color Health
Classification: Benign for Hereditary pheochromocytoma and paraganglioma. Last evaluated: 2022-10-19. Review status: criteria provided, single submitter. Criteria: ACMG Guidelines, 2015. Collection method: clinical testing. Allele origin: germline.

Sema4
Classification: Benign for Hereditary cancer-predisposing syndrome. Last evaluated: 2020-08-18. Review status: criteria provided, single submitter. Criteria: Sema4 Curation Guidelines. Collection method: curation. Allele origin: germline.

Mendelics
Classification: Likely benign for Carney-Stratakis syndrome. Last evaluated: 2019-05-28. Review status: criteria provided, single submitter. Criteria: Mendelics Assertion Criteria 2017. Collection method: clinical testing. Allele origin: unknown.

GeneDx
Classification: Benign. Last evaluated: 2019-03-21. Review status: criteria provided, single submitter. Criteria: GeneDx Variant Classification Process June 2021. Collection method: clinical testing. Allele origin: germline. Affected: yes.
Comment: This variant is associated with the following publications: (PMID: 24728327, 23175444, 12386824, 25695889, 29386252, 22703879, 20981092, 14557476, 25694510, 21979946, 18678321, 12696072, 12007193, 25149476, 25376524, 28128698, 27279923, 28164237, 17576205)

Center for Pediatric Genomic Medicine, Children's Mercy Hospital and Clinics
Classification: Likely benign. Last evaluated: 2017-10-04. Review status: criteria provided, single submitter. Criteria: ACMG Guidelines, 2015. Collection method: clinical testing. Allele origin: germline.

Genetic Services Laboratory, University of Chicago
Classification: Likely benign. Last evaluated: 2016-12-22. Review status: criteria provided, single submitter. Criteria: ACMG Guidelines, 2015. Collection method: clinical testing. Allele origin: germline. Affected: no.

Eurofins Ntd Llc (ga)
Classification: Benign. Last evaluated: 2016-11-09. Review status: criteria provided, single submitter. Criteria: EGL Classification Definitions 2015. Collection method: clinical testing. Allele origin: germline. Observed: 1 variant allele, 1 heterozygote.

Women's Health and Genetics/Laboratory Corporation of America, LabCorp
Classification: Likely benign. Last evaluated: 2016-08-31. Review status: criteria provided, single submitter. Criteria: LabCorp Variant Classification Summary - May 2015. Collection method: clinical testing. Allele origin: germline.
Comment: Variant summary: The SDHD c.149A>G (p.His50Arg) variant involves the alteration of a conserved nucleotide. 3/4 in silico tools predict a damaging outcome for this variant (SNPs&GO not captured due to low reliability index). In vitro studies provided conflicting results in affecting cell growth, PTEN function, P-Akt and P-MAPK levels. This variant has been reported in numerous patients with various cancer phenotypes or atherosclerosis phenotypes without co-segregation evidence. This variant was found in 827/123658 control chromosomes (6 homozygotes) at a frequency of 0.0066878, which is approximately 4280 times the estimated maximal expected allele frequency of a pathogenic SDHD variant (0.0000016), suggesting this variant is likely a benign polymorphism. In addition, multiple clinical diagnostic laboratories/reputable databases classified this variant as benign. In summary, this variant is unlikely to be pathogenic in Mendelian inheritance, however, the possibility of it being a disease modifier can not be ruled out. Therefore, this variant is classified as likely benign.

Genomic Diagnostic Laboratory, Division of Genomic Diagnostics, Children's Hospital of Philadelphia
Classification: Benign for Paragangliomas 1. Last evaluated: 2015-12-03. Review status: criteria provided, single submitter. Criteria: DGD Variant Analysis Guidelines. Collection method: clinical testing. Allele origin: unknown.

Ambry Genetics
Classification: Benign for Hereditary cancer-predisposing syndrome. Last evaluated: 2014-06-29. Review status: criteria provided, single submitter. Criteria: Ambry Variant Classification Scheme 2023. Collection method: clinical testing. Allele origin: germline.

PreventionGenetics, part of Exact Sciences
Classification: Benign for SDHD-related condition. Last evaluated: 2019-06-19. Review status: no assertion criteria provided. Collection method: clinical testing. Allele origin: germline. Not counted in ClinVar's aggregate classification.
Comment: This variant is classified as benign based on ACMG/AMP sequence variant interpretation guidelines (Richards et al. 2015 PMID: 25741868, with internal and published modifications).